The following is an entry in ClinVar:

GRCh38/hg38 1p13.2(chr1:112581112-113268309)x3

Genes: CAPZA1 (capping actin protein of muscle Z-line subunit alpha 1; plus strand), LINC01356 (long independently transcribed non-coding RNA 1356; minus strand), LINC01357 (long intergenic non-protein coding RNA 1357; plus strand), LRIG2 (leucine rich repeats and immunoglobulin like domains 2; plus strand), LRIG2-DT (LRIG2 divergent transcript; minus strand) and 35 more. Cytogenetic location: 1p13.2.
Variant type: copy number gain.
Change: copy number 3 (three copies instead of two) of chr1:112,581,112-113,268,309 (687.2 kb, GRCh38 coordinates, 1-based), cytogenetic band 1p13.2.
Identifiers: ClinVar variation 4890937 (VCV004890937.1).

ClinVar aggregate classification (germline): Uncertain significance (1 of 4 stars; one submission).

Submission:

Clinical Genomics Laboratory, Laboratory for Precision Diagnostics, University of Washington
Classification: Uncertain significance. Last evaluated: 2023-07-03. Review status: criteria provided, single submitter. Criteria: ACMG/ClinGen CNV Guidelines, 2019. Collection method: clinical testing. Allele origin: unknown. Affected: yes. Observed: 1 variant allele.
Comment: This interstitial duplication is approximately 687 kb in size and affects 8 protein-coding genes. None of the genes in this region are known to cause medical problems in humans when an extra copy is present (triplosensitivity), and this is not a known triplosensitive genomic region. However, chromosomal microarray analysis (CMA) cannot distinguish tandem duplications from an insertion elsewhere in the genome with potential for pathogenic disruption of genes at the insertion site. The telomeric breakpoint of the duplication lies within ST7L. It is unknown whether this duplication would disrupt ST7L or affect its expression. The classification of this duplication is uncertain, per ACMGG interpretation standards. It affects 8 protein-coding elements but doesn’t overlap any known dosage sensitive genes or regions. A review of public databases (ClinVar, DECIPHER) and the medical literature shows no reports of people with a similar duplication. No similar duplication appears in the Database of Genomic Variants (DGV) and gnomAD.